The following is an entry in ClinVar:

ClinVar aggregate classification (germline): Uncertain significance (1 of 4 stars; one submission).

Conditions:
Inborn genetic diseases. Identifiers: MedGen C0950123, MeSH D030342.

Submission:

Ambry Genetics
Classification: Uncertain significance for Inborn genetic diseases. Last evaluated: 2023-04-28. Review status: criteria provided, single submitter. Criteria: Ambry Variant Classification Scheme 2023. Collection method: clinical testing. Allele origin: germline.
Comment: The p.I2199L variant (also known as c.6595A>C), located in coding exon 45 of the LRRK2 gene, results from an A to C substitution at nucleotide position 6595. The isoleucine at codon 2199 is replaced by leucine, an amino acid with highly similar properties. This amino acid position is conserved. In addition, this alteration is predicted to be tolerated by in silico analysis. Since supporting evidence is limited at this time, the clinical significance of this alteration remains unclear.

NM_198578.4(LRRK2):c.6595A>C (p.Ile2199Leu)

Gene: LRRK2 (leucine rich repeat kinase 2; plus strand). Cytogenetic location: 12q12.
Variant type: single nucleotide variant.
Coding change: c.6595A>C on transcript NM_198578.4 (MANE Select); coding-DNA position 6595, A replaced by C.
Protein change: p.Ile2199Leu; replaces isoleucine 2199 with leucine.
Molecular consequence: missense variant.
Genome position (GRCh38, 1-based): chr12:40,354,317, A>C. VCF-style: chr12-40354317-A-C. GRCh37 (hg19) VCF-style: chr12-40748119-A-C.
Other names: short protein forms I2199L.
Identifiers: ClinVar variation 2567377 (VCV002567377.2), dbSNP rs1421005011, ClinGen allele CA384408792.
Genomic context (GRCh38, chr12:40,354,317, plus strand): 5'-CTTAAATCAAATCCTGCTAAGTATATTTTCTTTTCTTAACAGGAAGTTGCTGATAGTAGA[A>C]TATTGTGCTTAGCCTTGGTGCATCTTCCTGTTGAAAAGGAAAGCTGGATTGTGTCTGGGA-3'
Protein context (NP_940980.4, residues 2189-2209): YTSEEVADSR[Ile2199Leu]LCLALVHLPV